The following is an entry in ClinVar:

NM_004933.3(CDH15):c.935G>T (p.Arg312Leu)

Gene: CDH15 (cadherin 15; plus strand). Cytogenetic location: 16q24.3.
Variant type: single nucleotide variant.
Coding change: c.935G>T on transcript NM_004933.3 (MANE Select); coding-DNA position 935, G replaced by T.
Protein change: p.Arg312Leu; replaces arginine 312 with leucine.
Molecular consequence: missense variant.
Genome position (GRCh38, 1-based): chr16:89,188,242, G>T. VCF-style: chr16-89188242-G-T. GRCh37 (hg19) VCF-style: chr16-89254650-G-T.
Other names: short protein forms R312L.
Identifiers: ClinVar variation 2647027 (VCV002647027.24), dbSNP rs374936482, ClinGen allele CA8239051.
Genomic context (GRCh38, chr16:89,188,242, plus strand): 5'-CAAACTGGGTGGCCAGGTTCACCATCCTGGAAGGCGACCCCGATGGGCAGTTCACCATCC[G>T]CACGGACCCCAAGACCAACGAGGGTGTTCTGTCCATTGTGAAGGTGAGCGGCCCCCGGCT-3'
Protein context (NP_004924.1, residues 302-322): EGDPDGQFTI[Arg312Leu]TDPKTNEGVL

ClinVar aggregate classification (germline): Likely benign (1 of 4 stars; one submission).

gnomAD v4.1: 54 of 1,613,488 alleles (0.0033%); highest among the groups gnomAD compares: Non-Finnish European, 0.0044%; no homozygotes.

Submission:

CeGaT Center for Human Genetics Tuebingen
Classification: Likely benign. Last evaluated: 2022-11-01. Review status: criteria provided, single submitter. Criteria: CeGaT Center For Human Genetics Tuebingen Variant Classification Criteria Version 2. Collection method: clinical testing. Allele origin: germline. Affected: yes. Observed: 1 variant allele.
Comment: CDH15: BP4